The following is an entry in ClinVar:

NM_033380.3(COL4A5):c.2780del (p.Leu927fs)

Gene: COL4A5 (collagen type IV alpha 5 chain; plus strand). Cytogenetic location: Xq22.3.
Variant type: Deletion.
Coding change: c.2780del on transcript NM_033380.3 (MANE Select); coding-DNA position 2780, one base deleted (T; older notation c.2780delT).
Protein change: p.Leu927fs; shifts the reading frame from leucine 927.
Molecular consequence: frameshift variant.
Genome position (GRCh38, 1-based): chrX:108,622,688, T deleted; the last of 2 consecutive T bases (chrX:108,622,687-108,622,688); deleting either gives the same sequence. VCF-style (leftmost placement, unchanged base first): chrX-108622686-CT-C. GRCh37 (hg19) VCF-style: chrX-107865916-CT-C.
Other names: c.2780del, p.Leu927fs (NM_000495.5); short protein forms L927fs.
Identifiers: ClinVar variation 3147613 (VCV003147613.3), dbSNP rs2524407657, ClinGen allele CA2825002921.

ClinVar aggregate classification (germline): Pathogenic. Review status: criteria provided, multiple submitters, no conflicts (2 of 4 stars). 2 submissions from 2 submitters: Pathogenic (2). Last evaluated 2024-06-27.

Conditions:
Inborn genetic diseases. Identifiers: MedGen C0950123, MeSH D030342.
X-linked Alport syndrome (ATS1). Also called: NEPHROPATHY AND DEAFNESS, X-LINKED; COL4A5-Related Nephropathy. Identifiers: Orphanet 63, Orphanet 88917, MedGen C4746986, MONDO:0010520, OMIM 301050.

Submissions (2):

3billion
Classification: Pathogenic for X-linked Alport syndrome. Last evaluated: 2024-06-27. Review status: criteria provided, single submitter. Criteria: ACMG Guidelines, 2015. Collection method: clinical testing. Allele origin: germline. Affected: yes.
Comment: The variant is not observed in the gnomAD v4.0.0 dataset. Predicted Consequence/Location: Frameshift: predicted to result in a loss or disruption of normal protein function through nonsense-mediated decay (NMD) or protein truncation. Multiple pathogenic variants are reported downstream of the variant. The variant has been reported to be associated with COL4A5 related disorder (ClinVar ID: VCV003147613 /3billion dataset). Therefore, this variant is classified as Pathogenic according to the recommendation of ACMG/AMP guideline.

Ambry Genetics
Classification: Pathogenic for Inborn genetic diseases. Last evaluated: 2023-11-20. Review status: criteria provided, single submitter. Criteria: Ambry Variant Classification Scheme 2023. Collection method: clinical testing. Allele origin: germline.
Comment: The c.2780delT (p.L927Cfs*69) alteration, located in exon 33 (coding exon 33) of the COL4A5 gene, consists of a deletion of one nucleotide at position 2780, causing a translational frameshift with a predicted alternate stop codon after 69 amino acids. This alteration is expected to result in loss of function by premature protein truncation or nonsense-mediated mRNA decay. This variant was not reported in population-based cohorts in the Genome Aggregation Database (gnomAD). Based on the available evidence, this alteration is classified as pathogenic.